The following is an entry in ClinVar:

ClinVar aggregate classification (germline): Uncertain significance (1 of 4 stars; one submission).

Conditions:
Meckel syndrome, type 11 (MKS11). Identifiers: Orphanet 564, MedGen C3809352, MONDO:0014164, OMIM 615397.
Joubert syndrome 20 (JBTS20). Identifiers: Orphanet 475, MedGen C3554235, MONDO:0013994, OMIM 614970.

Allele frequency attached by ClinVar (database versions not stated): gnomAD exomes 0.00003 and 0.00002; gnomAD 0.00001; TOPMed below 0.00001.
gnomAD v4.1: 31 of 1,388,452 alleles (0.0022%); highest among the groups gnomAD compares: South Asian, 0.049%; no homozygotes.

Submission:

Labcorp Genetics (formerly Invitae), Labcorp
Classification: Uncertain significance for Joubert syndrome 20; Meckel syndrome, type 11. Last evaluated: 2025-02-06. Review status: criteria provided, single submitter. Criteria: Invitae Variant Classification Sherloc (09022015). Collection method: clinical testing. Allele origin: germline.
Comment: This sequence change replaces serine, which is neutral and polar, with asparagine, which is neutral and polar, at codon 6 of the TMEM231 protein (p.Ser6Asn). This variant is present in population databases (rs752769188, gnomAD 0.04%). This variant has not been reported in the literature in individuals affected with TMEM231-related conditions. ClinVar contains an entry for this variant (Variation ID: 1355827). Experimental studies and prediction algorithms are not available or were not evaluated, and the functional significance of this variant is currently unknown. In summary, the available evidence is currently insufficient to determine the role of this variant in disease. Therefore, it has been classified as a Variant of Uncertain Significance.

NC_000016.10:g.75556255C>T

Gene: TMEM231 (transmembrane protein 231; minus strand). Cytogenetic location: 16q23.1.
Variant type: single nucleotide variant.
Molecular consequence: missense variant (on NM_001077416.2).
Genome position: GRCh38 VCF-style: chr16-75556255-C-T. GRCh37 (hg19) VCF-style: chr16-75590153-C-T.
Other names: c.17G>A, p.Ser6Asn (NM_001077416.2); short protein forms S6N.
Identifiers: ClinVar variation 1355827 (VCV001355827.6), dbSNP rs752769188, ClinGen allele CA8176337.